The following is an entry in ClinVar:

ClinVar aggregate classification (germline): Uncertain significance (1 of 4 stars; one submission).

Conditions:
Bardet-Biedl syndrome (BBS). Identifiers: Orphanet 110, MedGen C0752166, MONDO:0015229.

Submission:

Labcorp Genetics (formerly Invitae), Labcorp
Classification: Uncertain significance for Bardet-Biedl syndrome. Last evaluated: 2022-03-04. Review status: criteria provided, single submitter. Criteria: Invitae Variant Classification Sherloc (09022015). Collection method: clinical testing. Allele origin: germline.
Comment: This sequence change replaces proline, which is neutral and non-polar, with threonine, which is neutral and polar, at codon 54 of the BBS9 protein (p.Pro54Thr). This variant is not present in population databases (gnomAD no frequency). This variant has not been reported in the literature in individuals affected with BBS9-related conditions. Algorithms developed to predict the effect of missense changes on protein structure and function (SIFT, PolyPhen-2, Align-GVGD) all suggest that this variant is likely to be disruptive. In summary, the available evidence is currently insufficient to determine the role of this variant in disease. Therefore, it has been classified as a Variant of Uncertain Significance.

NM_198428.3(BBS9):c.160C>A (p.Pro54Thr)

Gene: BBS9 (Bardet-Biedl syndrome 9; plus strand). Cytogenetic location: 7p14.3.
Variant type: single nucleotide variant.
Coding change: c.160C>A on transcript NM_198428.3 (MANE Select); coding-DNA position 160, C replaced by A.
Protein change: p.Pro54Thr; replaces proline 54 with threonine.
Molecular consequence: missense variant. On other transcripts: 5 prime UTR variant (4), non-coding transcript variant (3), intron variant (2).
Genome position (GRCh38, 1-based): chr7:33,152,748, C>A. VCF-style: chr7-33152748-C-A. GRCh37 (hg19) VCF-style: chr7-33192360-C-A.
Other names: c.160C>A, p.Pro54Thr (NM_001033604.2, NM_001033605.2, NM_001348036.1 and 7 more transcripts); c.-142C>A (NM_001348037.3, NM_001348045.3); c.-118C>A (NM_001348038.3, NM_001348039.3); c.25C>A, p.Pro9Thr (NM_001348042.3); c.-39+22707C>A (NM_001348046.3, NM_001348044.3); short protein forms P54T, P9T.
Identifiers: ClinVar variation 2106863 (VCV002106863.4), dbSNP rs2535289547, ClinGen allele CA367190302.
Genomic context (GRCh38, chr7:33,152,748, plus strand): 5'-AAATTCTCTACAGATAAAATAATTGTGGGTAGCTTTATGGGATACCTAAGGATCTTTAGC[C>A]CCCATCCTGCAAAAACAGGAGATGGAGCTCAAGCCGAAGATTTGCTTCTAGAAGTGGATC-3'
Protein context (NP_940820.1, residues 44-64): SFMGYLRIFS[Pro54Thr]HPAKTGDGAQ